The following is an entry in ClinVar:

NM_000038.6(APC):c.5145C>T (p.Asp1715=)

Gene: APC (APC regulator of Wnt signaling pathway; plus strand). Cytogenetic location: 5q22.2.
Variant type: single nucleotide variant.
Coding change: c.5145C>T on transcript NM_000038.6 (MANE Select); coding-DNA position 5145, C replaced by T.
Protein change: p.Asp1715=; no amino-acid change (aspartic acid 1715 retained).
Molecular consequence: synonymous variant.
Genome position (GRCh38, 1-based): chr5:112,840,739, C>T. VCF-style: chr5-112840739-C-T. GRCh37 (hg19) VCF-style: chr5-112176436-C-T.
Other names: c.5145C>T, p.Asp1715= (NM_001127510.3, NM_001354895.2); c.5091C>T, p.Asp1697= (NM_001127511.3); c.5199C>T, p.Asp1733= (NM_001354896.2); c.5175C>T, p.Asp1725= (NM_001354897.2); c.5070C>T, p.Asp1690= (NM_001354898.2); c.5061C>T, p.Asp1687= (NM_001354899.2); c.5022C>T, p.Asp1674= (NM_001354900.2); c.4968C>T, p.Asp1656= (NM_001354901.2); and 5 more.
Identifiers: ClinVar variation 485133 (VCV000485133.19), dbSNP rs1391225195, ClinGen allele CA446209607.
Genomic context (GRCh38, chr5:112,840,739, plus strand): 5'-AAGTACAGATGAGGCTCAAGGAGGAAAAACCTCATCTGTAACCATACCTGAATTGGATGA[C>T]AATAAAGCAGAGGAAGGTGATATTCTTGCAGAATGCATTAATTCTGCTATGCCCAAAGGG-3'
Protein context (NP_000029.2, residues 1705-1725): TSSVTIPELD[Asp1715=]NKAEEGDILA

ClinVar aggregate classification (germline): Benign/Likely benign. Review status: criteria provided, multiple submitters, no conflicts (2 of 4 stars). 5 submissions from 5 submitters: Benign (1); Likely benign (4). Last evaluated 2024-04-01.

Conditions:
Hereditary cancer-predisposing syndrome. Also called: Neoplastic Syndromes, Hereditary; Tumor predisposition; Hereditary Cancer Syndrome; Hereditary neoplastic syndrome. Identifiers: Orphanet 140162, MedGen C0027672, MeSH D009386, MONDO:0015356.
Familial adenomatous polyposis 1 (FAP1). Also called: FAMILIAL ADENOMATOUS POLYPOSIS 1, ATTENUATED; POLYPOSIS, ADENOMATOUS INTESTINAL. Identifiers: MedGen C2713442, MONDO:0021056, OMIM 175100. Disease mechanism: loss of function.
Classic or attenuated familial adenomatous polyposis. Identifiers: MedGen CN372698, MONDO:0021057.

Allele frequency attached by ClinVar (database versions not stated): gnomAD exomes 0.00001; TOPMed 0.00001.
gnomAD v4.1: 3 of 1,614,042 alleles (0.00019%); highest among the groups gnomAD compares: East Asian, 0.0067%; no homozygotes.

Submissions (5):

Myriad Genetics, Inc.
Classification: Benign for Familial adenomatous polyposis 1. Last evaluated: 2024-04-01. Review status: criteria provided, single submitter. Criteria: Myriad Autosomal Dominant, Autosomal Recessive and X-Linked Classification Criteria (2023). Collection method: clinical testing. Allele origin: unknown.
Comment: This variant is considered benign. This variant is a silent/synonymous amino acid change and it is not expected to impact splicing.

Labcorp Genetics (formerly Invitae), Labcorp
Classification: Likely benign for Familial adenomatous polyposis 1. Last evaluated: 2023-11-29. Review status: criteria provided, single submitter. Criteria: Invitae Variant Classification Sherloc (09022015). Collection method: clinical testing. Allele origin: germline.

All of Us Research Program, National Institutes of Health
Classification: Likely benign for Classic or attenuated familial adenomatous polyposis. Last evaluated: 2023-08-15. Review status: criteria provided, single submitter. Criteria: ACMG Guidelines, 2015. Collection method: clinical testing. Allele origin: germline. Inheritance: Autosomal dominant inheritance. Observed: 1 variant allele, 1 heterozygote.
Comment: This study involves interpretation of variants in research participants for the purpose of population health screening. Participant phenotype was not available at the time of variant classification. Additional details can be found in publication PMID: 35346344, PMCID: PMC8962531

Ambry Genetics
Classification: Likely benign for Hereditary cancer-predisposing syndrome. Last evaluated: 2016-08-10. Review status: criteria provided, single submitter. Criteria: Ambry Variant Classification Scheme 2023. Collection method: clinical testing. Allele origin: germline.

Color Diagnostics, LLC DBA Color Health
Classification: Likely benign for Hereditary cancer-predisposing syndrome. Last evaluated: 2016-06-30. Review status: criteria provided, single submitter. Criteria: ACMG Guidelines, 2015. Collection method: clinical testing. Allele origin: germline.